The following is an entry in ClinVar:

NM_000030.3(AGXT):c.248A>G (p.His83Arg)

Gene: AGXT (alanine--glyoxylate aminotransferase; plus strand). Cytogenetic location: 2q37.3.
Variant type: single nucleotide variant.
Coding change: c.248A>G on transcript NM_000030.3 (MANE Select); coding-DNA position 248, A replaced by G.
Protein change: p.His83Arg; replaces histidine 83 with arginine.
Molecular consequence: missense variant.
Genome position (GRCh38, 1-based): chr2:240,869,252, A>G. VCF-style: chr2-240869252-A-G. GRCh37 (hg19) VCF-style: chr2-241808669-A-G.
Other names: short protein forms H83R.
Identifiers: ClinVar variation 204085 (VCV000204085.3), dbSNP rs180177186, ClinGen allele CA275655.

ClinVar aggregate classification (germline): Likely pathogenic. Review status: criteria provided, single submitter (1 of 4 stars). 2 submissions from 2 submitters: Likely pathogenic (1). 1 of the submissions does not count toward it. Last evaluated 2024-07-19.

Conditions:
Primary hyperoxaluria. Identifiers: Orphanet 416, MedGen C0020501, MONDO:0002474.
Primary hyperoxaluria, type I (HP1). Also called: GLYCOLIC ACIDURIA; HEPATIC AGT DEFICIENCY; OXALOSIS I; Primary hyperoxaluria type 1. Identifiers: Orphanet 416, Orphanet 93598, MedGen C0268164, MONDO:0009823, OMIM 259900. Disease mechanism: loss of function.

Allele frequency attached by ClinVar (database versions not stated): gnomAD exomes below 0.00001; TOPMed below 0.00001.
gnomAD v4.1: 1 of 1,613,856 alleles (0.000062%); highest among the groups gnomAD compares: Non-Finnish European, 0.000085%; no homozygotes.

Submissions (2):

Women's Health and Genetics/Laboratory Corporation of America, LabCorp
Classification: Likely pathogenic for Primary hyperoxaluria. Last evaluated: 2024-07-19. Review status: criteria provided, single submitter. Criteria: LabCorp Variant Classification Summary - May 2015. Collection method: clinical testing. Allele origin: germline.
Comment: Variant summary: AGXT c.248A>G (p.His83Arg) results in a non-conservative amino acid change located in the Aminotransferase class V domain of the encoded protein sequence. Five of five in-silico tools predict a damaging effect of the variant on protein function. The variant was absent in 251192 control chromosomes. c.248A>G has been reported in the literature in at-least one individual affected with Primary Hyperoxaluria Type 1 (example: Williams_2009). Multiple publications have reported experimental evidence evaluating an impact on protein function. The most pronounced variant effect results in <10% of normal activity (examples: Williams_2009, Pittman_2012, Messa-Torres_2013). The following publications have been ascertained in the context of this evaluation (PMID: 19479957, 24205397, 22923379). ClinVar contains an entry for this variant (Variation ID: 204085). Based on the evidence outlined above, the variant was classified as likely pathogenic.

Clinical Biochemistry Laboratory, Health Services Laboratory
Classification: Pathogenic for Primary hyperoxaluria, type I. Last evaluated: 2014-11-27. Review status: no assertion criteria provided. Collection method: in vitro. Allele origin: germline. Affected: yes. Not counted in ClinVar's aggregate classification.

Literature cited by the submitters: PubMed 19479957 (cited by Women's Health and Genetics/Laboratory Corporation of America, LabCorp and Clinical Biochemistry Laboratory, Health Services Laboratory); PubMed 22923379 (cited by Women's Health and Genetics/Laboratory Corporation of America, LabCorp); PubMed 24205397 (cited by Women's Health and Genetics/Laboratory Corporation of America, LabCorp); PubMed 24718375 (cited by Clinical Biochemistry Laboratory, Health Services Laboratory).